The following is an entry in ClinVar:

ClinVar aggregate classification (germline): Likely benign. Review status: criteria provided, multiple submitters, no conflicts (2 of 4 stars). 2 submissions from 2 submitters: Likely benign (2). Last evaluated 2022-01-04.

Conditions:
Inborn genetic diseases. Identifiers: MedGen C0950123, MeSH D030342.

Allele frequency attached by ClinVar (database versions not stated): gnomAD exomes below 0.00001 and 0.00002; TOPMed below 0.00001; gnomAD 0.00001.
gnomAD v4.1: 23 of 1,613,576 alleles (0.0014%); highest among the groups gnomAD compares: Non-Finnish European, 0.0019%; no homozygotes.

Submissions (2):

Ambry Genetics
Classification: Likely benign for Inborn genetic diseases. Last evaluated: 2022-01-04. Review status: criteria provided, single submitter. Criteria: Ambry Variant Classification Scheme 2023. Collection method: clinical testing. Allele origin: germline.

GeneDx
Classification: Likely benign. Last evaluated: 2015-08-13. Review status: criteria provided, single submitter. Criteria: GeneDx Variant Classification (06012015). Collection method: clinical testing. Allele origin: germline. Affected: yes.
Comment: This variant is considered likely benign or benign based on one or more of the following criteria: it is a conservative change, it occurs at a poorly conserved position in the protein, it is predicted to be benign by multiple in silico algorithms, and/or has population frequency not consistent with disease.

NM_021957.4(GYS2):c.520T>C (p.Tyr174His)

Gene: GYS2 (glycogen synthase 2; minus strand). Cytogenetic location: 12p12.1.
Variant type: single nucleotide variant.
Coding change: c.520T>C on transcript NM_021957.4 (MANE Select); coding-DNA position 520, T replaced by C.
Protein change: p.Tyr174His; replaces tyrosine 174 with histidine.
Molecular consequence: missense variant.
Genome position (GRCh38, 1-based): chr12:21,574,302, A>G on the plus strand (T>C on the coding strand, the complement: GYS2 is on the minus strand). VCF-style: chr12-21574302-A-G. GRCh37 (hg19) VCF-style: chr12-21727236-A-G.
Other names: short protein forms Y174H.
Identifiers: ClinVar variation 380333 (VCV000380333.3), dbSNP rs937397555, ClinGen allele CA16606483.